The following is an entry in ClinVar:

NM_000083.3(CLCN1):c.2364+10G>A

Gene: CLCN1 (chloride voltage-gated channel 1; plus strand). Cytogenetic location: 7q34.
Variant type: single nucleotide variant.
Coding change: c.2364+10G>A on transcript NM_000083.3 (MANE Select); 10 bases into the intron after coding-DNA position 2364, G replaced by A.
Molecular consequence: intron variant.
Genome position (GRCh38, 1-based): chr7:143,346,668, G>A. VCF-style: chr7-143346668-G-A. GRCh37 (hg19) VCF-style: chr7-143043761-G-A.
Identifiers: ClinVar variation 359123 (VCV000359123.60), dbSNP rs201855153, ClinGen allele CA4537648.

ClinVar aggregate classification (germline): Likely benign. Review status: criteria provided, multiple submitters, no conflicts (2 of 4 stars). 7 submissions from 7 submitters: Likely benign (6). 1 of the submissions does not count toward it. Last evaluated 2026-02-04.

Conditions:
CLCN1-related disorder. Also called: CLCN1-related condition.
Batten-Turner congenital myopathy. Also called: Congenital myotonia; Myotonia congenita. Identifiers: Orphanet 206973, MedGen C0027127, MONDO:0100468, OMIM 255300.
Congenital myotonia, autosomal dominant form (THD). Also called: Myotonia congenita autosomal dominant; THOMSEN DISEASE. Identifiers: Orphanet 614, MedGen C2936781, MONDO:0008055, OMIM 160800.
Congenital myotonia, autosomal recessive form. Also called: myotonia congenita, autosomal recessive; BECKER DISEASE; Becker Generalized Myotonia. Identifiers: Orphanet 614, MedGen C0751360, MONDO:0009715, OMIM 255700.

Allele frequency attached by ClinVar (database versions not stated): ExAC 0.00080; gnomAD exomes 0.00081 and 0.00131; gnomAD 0.00098 and 0.00099; TOPMed 0.00111; ESP Exome Variant Server 0.00131; 1000 Genomes Project 30x 0.00078; 1000 Genomes Project 0.00080.
gnomAD v4.1: 2,049 of 1,607,918 alleles (0.13%); highest among the groups gnomAD compares: Non-Finnish European, 0.15%; 2 homozygotes.

Submissions (7):

Labcorp Genetics (formerly Invitae), Labcorp
Classification: Likely benign for Congenital myotonia, autosomal recessive form; Congenital myotonia, autosomal dominant form. Last evaluated: 2026-02-04. Review status: criteria provided, single submitter. Criteria: Invitae Variant Classification Sherloc (09022015). Collection method: clinical testing. Allele origin: germline.

CeGaT Center for Human Genetics Tuebingen
Classification: Likely benign. Last evaluated: 2026-01-01. Review status: criteria provided, single submitter. Criteria: CeGaT Center For Human Genetics Tuebingen Variant Classification Criteria Version 2. Collection method: clinical testing. Allele origin: germline. Affected: yes. Observed: 5 variant alleles.
Comment: CLCN1: BP4

Athena Diagnostics
Classification: Likely benign. Last evaluated: 2024-12-31. Review status: criteria provided, single submitter. Criteria: Athena Diagnostics Criteria. Collection method: clinical testing. Allele origin: unknown.
Comment: Computational tools yielded predictions that this variant is unlikely to have an effect on normal RNA splicing. This nucleotide position exhibits low evolutionary conservation.

Blueprint Genetics
Classification: Likely benign. Last evaluated: 2024-09-30. Review status: criteria provided, single submitter. Criteria: ACMG Guidelines, 2015. Collection method: clinical testing. Allele origin: germline.

GeneDx
Classification: Likely benign. Last evaluated: 2018-05-22. Review status: criteria provided, single submitter. Criteria: GeneDx Variant Classification Process June 2021. Collection method: clinical testing. Allele origin: germline. Affected: yes.
Comment: This variant is associated with the following publications: (PMID: 23739125, 24452722)

Illumina Laboratory Services, Illumina
Classification: Likely benign for Myotonia congenita. Last evaluated: 2017-04-27. Review status: criteria provided, single submitter. Criteria: ICSL Variant Classification Criteria 13 December 2019. Collection method: clinical testing. Allele origin: germline.
Comment: This variant was observed as part of a predisposition screen in an ostensibly healthy population. A literature search was performed for the gene, cDNA change, and amino acid change (where applicable). No publications were found based on this search. Allele frequency data from public databases allowed determination this variant is unlikely to cause disease. Therefore, this variant is classified as likely benign.

PreventionGenetics, part of Exact Sciences
Classification: Likely benign for CLCN1-related condition. Last evaluated: 2020-03-30. Review status: no assertion criteria provided. Collection method: clinical testing. Allele origin: germline. Not counted in ClinVar's aggregate classification.
Comment: This variant is classified as likely benign based on ACMG/AMP sequence variant interpretation guidelines (Richards et al. 2015 PMID: 25741868, with internal and published modifications).

Literature cited by the submitters: PubMed 24452722 (cited by Athena Diagnostics); PubMed 23739125 (cited by Athena Diagnostics).